The following is an entry in ClinVar:

ClinVar aggregate classification (germline): Benign/Likely benign. Review status: criteria provided, multiple submitters, no conflicts (2 of 4 stars). 2 submissions from 2 submitters: Benign (1); Likely benign (1). Last evaluated 2024-09-17.

Conditions:
Hereditary diffuse gastric adenocarcinoma (HDGC). Also called: DIFFUSE GASTRIC AND LOBULAR BREAST CANCER SYNDROME. Identifiers: Orphanet 26106, MedGen C1708349, MONDO:0007648, OMIM 137215.
Ovarian cancer. Also called: OVARIAN CANCER, SOMATIC. Identifiers: Orphanet 213500, MedGen C1140680, MONDO:0008170, OMIM 167000.

gnomAD v4.1: 1 of 1,614,094 alleles (0.000062%); highest among the groups gnomAD compares: South Asian, 0.0011%; no homozygotes.

Submissions (2):

Myriad Genetics, Inc.
Classification: Benign for Hereditary diffuse gastric adenocarcinoma. Last evaluated: 2024-09-17. Review status: criteria provided, single submitter. Criteria: Myriad Autosomal Dominant, Autosomal Recessive and X-Linked Classification Criteria (2023). Collection method: clinical testing. Allele origin: unknown.
Comment: This variant is considered benign. This variant is a silent/synonymous amino acid change and it is not expected to impact splicing.

Department of Pathology and Laboratory Medicine, Sinai Health System
Classification: Likely benign for Ovarian cancer. Last evaluated: 2021-01-12. Review status: criteria provided, single submitter. Criteria: ACMG Guidelines, 2015. Collection method: clinical testing. Allele origin: germline. Affected: yes.

NM_004360.5(CDH1):c.1014C>T (p.Phe338=)

Gene: CDH1 (cadherin 1; plus strand). Cytogenetic location: 16q22.1.
Variant type: single nucleotide variant.
Coding change: c.1014C>T on transcript NM_004360.5 (MANE Select); coding-DNA position 1014, C replaced by T.
Protein change: p.Phe338=; no amino-acid change (phenylalanine 338 retained).
Molecular consequence: synonymous variant. On other transcripts: 5 prime UTR variant (2).
Genome position (GRCh38, 1-based): chr16:68,812,140, C>T. VCF-style: chr16-68812140-C-T. GRCh37 (hg19) VCF-style: chr16-68846043-C-T.
Other names: c.1014C>T (NM_004360.4); c.1014C>T, p.Phe338= (NM_001317184.2); c.-602C>T (NM_001317185.2); c.-806C>T (NM_001317186.2).
Identifiers: ClinVar variation 3378531 (VCV003378531.2).